The following is an entry in ClinVar:

ClinVar aggregate classification (germline): Uncertain significance (1 of 4 stars; one submission).

Conditions:
Cardiovascular phenotype. Identifiers: MedGen CN230736.

gnomAD v4.1: 8 of 1,605,832 alleles (0.0005%); highest among the groups gnomAD compares: South Asian, 0.0044%; no homozygotes.

Submission:

Ambry Genetics
Classification: Uncertain significance for Cardiovascular phenotype. Last evaluated: 2024-07-17. Review status: criteria provided, single submitter. Criteria: Ambry Variant Classification Scheme 2023. Collection method: clinical testing. Allele origin: germline.
Comment: The p.A1199T variant (also known as c.3595G>A), located in coding exon 24 of the MYH6 gene, results from a G to A substitution at nucleotide position 3595. The alanine at codon 1199 is replaced by threonine, an amino acid with similar properties. This amino acid position is conserved. In addition, the in silico prediction for this alteration is inconclusive. Based on the available evidence, the clinical significance of this variant remains unclear.

NM_002471.4(MYH6):c.3595G>A (p.Ala1199Thr)

Gene: MYH6 (myosin heavy chain 6; minus strand). Cytogenetic location: 14q11.2.
Variant type: single nucleotide variant.
Coding change: c.3595G>A on transcript NM_002471.4 (MANE Select); coding-DNA position 3595, G replaced by A.
Protein change: p.Ala1199Thr; replaces alanine 1199 with threonine.
Molecular consequence: missense variant.
Genome position (GRCh38, 1-based): chr14:23,390,194, C>T on the plus strand (G>A on the coding strand, the complement: MYH6 is on the minus strand). VCF-style: chr14-23390194-C-T. GRCh37 (hg19) VCF-style: chr14-23859403-C-T.
Other names: short protein forms A1199T.
Identifiers: ClinVar variation 3400827 (VCV003400827.1).